The following is an entry in ClinVar:

ClinVar aggregate classification (germline): Uncertain significance. Review status: criteria provided, multiple submitters, no conflicts (2 of 4 stars). 2 submissions from 2 submitters: Uncertain significance (2). Last evaluated 2026-09-02.

Conditions:
Hereditary cancer-predisposing syndrome. Also called: Hereditary Cancer Syndrome; Hereditary neoplastic syndrome; Neoplastic Syndromes, Hereditary; Tumor predisposition. Identifiers: Orphanet 140162, MedGen C0027672, MeSH D009386, MONDO:0015356.
Hereditary nonpolyposis colorectal neoplasms. Identifiers: MedGen C0009405, MeSH D003123.

gnomAD v4.1: 2 of 1,614,084 alleles (0.00012%); highest among the groups gnomAD compares: Non-Finnish European, 0.00017%; no homozygotes.

Submissions (2):

Ambry Genetics
Classification: Uncertain significance for Hereditary cancer-predisposing syndrome. Last evaluated: 2026-09-02. Review status: criteria provided, single submitter. Criteria: Ambry Variant Classification Scheme 2023. Collection method: clinical testing. Allele origin: germline.
Comment: The p.T217R variant (also known as c.650C>G), located in coding exon 6 of the PMS2 gene, results from a C to G substitution at nucleotide position 650. The threonine at codon 217 is replaced by arginine, an amino acid with similar properties. This amino acid position is highly conserved in available vertebrate species. In addition, this alteration is predicted to be deleterious by in silico analysis. Based on the available evidence, the clinical significance of this variant remains unclear.

Labcorp Genetics (formerly Invitae), Labcorp
Classification: Uncertain significance for Hereditary nonpolyposis colorectal neoplasms. Last evaluated: 2025-11-19. Review status: criteria provided, single submitter. Criteria: Invitae Variant Classification Sherloc (09022015). Collection method: clinical testing. Allele origin: germline.
Comment: This sequence change replaces threonine, which is neutral and polar, with arginine, which is basic and polar, at codon 217 of the PMS2 protein (p.Thr217Arg). This variant is not present in population databases (gnomAD no frequency). This missense change has been observed in individual(s) with breast cancer (PMID: 35449176). Invitae Evidence Modeling incorporating data from in vitro experimental studies (internal data) indicates that this missense variant is not expected to disrupt PMS2 function with a negative predictive value of 95%. In summary, the available evidence is currently insufficient to determine the role of this variant in disease. Therefore, it has been classified as a Variant of Uncertain Significance.

Literature cited by the submitters: PubMed 35449176 (cited by Labcorp Genetics (formerly Invitae), Labcorp).

NM_000535.7(PMS2):c.650C>G (p.Thr217Arg)

Gene: PMS2 (PMS1 homolog 2, mismatch repair system component; minus strand). Cytogenetic location: 7p22.1.
Variant type: single nucleotide variant.
Coding change: c.650C>G on transcript NM_000535.7 (MANE Select); coding-DNA position 650, C replaced by G.
Protein change: p.Thr217Arg; replaces threonine 217 with arginine.
Molecular consequence: missense variant. On other transcripts: 5 prime UTR variant (2), non-coding transcript variant (1), intron variant (9).
Genome position (GRCh38, 1-based): chr7:5,999,163, G>C on the plus strand (C>G on the coding strand, the complement: PMS2 is on the minus strand). VCF-style: chr7-5999163-G-C. GRCh37 (hg19) VCF-style: chr7-6038794-G-C.
Other names: c.245C>G, p.Thr82Arg (NM_001322003.2, NM_001322004.2, NM_001322005.2 and 19 more transcripts); c.650C>G, p.Thr217Arg (NM_001322006.2, NM_001322014.2, NM_001406870.1 and 4 more transcripts); c.332C>G, p.Thr111Arg (NM_001322007.2, NM_001322008.2, NM_001406876.1 and 4 more transcripts); c.-284C>G (NM_001322011.2, NM_001322012.2); c.341C>G, p.Thr114Arg (NM_001322015.2, NM_001406875.1, NM_001406877.1 and 6 more transcripts); c.836C>G, p.Thr279Arg (NM_001406866.1); c.674C>G, p.Thr225Arg (NM_001406868.1); c.314C>G, p.Thr105Arg (NM_001406885.1); and 6 more; short protein forms T114R, T225R, T82R, T105R, T217R, T111R, T279R.
Identifiers: ClinVar variation 4765313 (VCV004765313.2).